The following is an entry in ClinVar:

NM_020207.7(ERCC6L2):c.209A>G (p.Gln70Arg)

Gene: ERCC6L2 (ERCC excision repair 6 like 2; plus strand). Cytogenetic location: 9q22.32.
Variant type: single nucleotide variant.
Coding change: c.209A>G on transcript NM_020207.7 (MANE Select); coding-DNA position 209, A replaced by G.
Protein change: p.Gln70Arg; replaces glutamine 70 with arginine.
Molecular consequence: missense variant. On other transcripts: non-coding transcript variant (1).
Genome position (GRCh38, 1-based): chr9:95,881,031, A>G. VCF-style: chr9-95881031-A-G. GRCh37 (hg19) VCF-style: chr9-98643313-A-G.
Other names: c.209A>G, p.Gln70Arg (NM_001010895.4, NM_001375291.1, NM_001375292.1 and 2 more transcripts); short protein forms Q70R.
Identifiers: ClinVar variation 3845863 (VCV003845863.1).
Genomic context (GRCh38, chr9:95,881,031, plus strand): 5'-CATTTGCAGTCGTCTTATATGCAGATTTTCAAGAAAGGAAAATACCTCTTAAACAGCTTC[A>G]AGAAGTGAAATTTGTTAAAGATTGCCCTAGGAATCTTATATTTGATGATGAAGATTTAGA-3'
Protein context (NP_064592.3, residues 60-80): QERKIPLKQL[Gln70Arg]EVKFVKDCPR

ClinVar aggregate classification (germline): Uncertain significance (1 of 4 stars; one submission).

Conditions:
Inborn genetic diseases. Identifiers: MedGen C0950123, MeSH D030342.

gnomAD v4.1: 1 of 1,613,912 alleles (0.000062%); highest among the groups gnomAD compares: Non-Finnish European, 0.000085%; no homozygotes.

Submission:

Ambry Genetics
Classification: Uncertain significance for Inborn genetic diseases. Last evaluated: 2025-01-10. Review status: criteria provided, single submitter. Criteria: Ambry Variant Classification Scheme 2023. Collection method: clinical testing. Allele origin: germline.
Comment: The p.Q70R variant (also known as c.209A>G), located in coding exon 2 of the ERCC6L2 gene, results from an A to G substitution at nucleotide position 209. The glutamine at codon 70 is replaced by arginine, an amino acid with highly similar properties. This amino acid position is conserved. In addition, this alteration is predicted to be tolerated by in silico analysis. Based on the available evidence, the clinical significance of this variant remains unclear.